The following is an entry in ClinVar:

NM_030777.4(SLC2A10):c.1573del (p.Gln525fs)

Gene: SLC2A10 (solute carrier family 2 member 10; plus strand). Cytogenetic location: 20q13.12.
Variant type: Deletion.
Coding change: c.1573del on transcript NM_030777.4 (MANE Select); coding-DNA position 1573, one base deleted (C; older notation c.1573delC).
Protein change: p.Gln525fs; shifts the reading frame from glutamine 525.
Molecular consequence: frameshift variant.
Genome position (GRCh38, 1-based): chr20:46,733,781, C deleted. VCF-style (leftmost placement, unchanged base first): chr20-46733780-GC-G. GRCh37 (hg19) VCF-style: chr20-45362419-GC-G.
Other names: short protein forms Q525fs.
Identifiers: ClinVar variation 1062749 (VCV001062749.7), dbSNP rs2123074215, ClinGen allele CA2499225777.
Genomic context (GRCh38, chr20:46,733,780, plus strand): 5'-GCCACCCCCTGATCCCACGCATTCTTTGTCTGACAGGTTCACCCTGAGCTTTGGCCACAG[GC>G]AGAACTCCACTGGCATCCCGTACAGCCGCATCGAGATCTCTGCGGCCTCCTGAGGAATCC-3'

ClinVar aggregate classification (germline): Uncertain significance (1 of 4 stars; one submission).

Conditions:
Arterial tortuosity syndrome (ATORS). Identifiers: Orphanet 3342, MedGen C1859726, MONDO:0008818, OMIM 208050.

Submission:

Labcorp Genetics (formerly Invitae), Labcorp
Classification: Uncertain significance for Arterial tortuosity syndrome. Last evaluated: 2020-09-10. Review status: criteria provided, single submitter. Criteria: Invitae Variant Classification Sherloc (09022015). Collection method: clinical testing. Allele origin: germline.
Comment: In summary, the available evidence is currently insufficient to determine the role of this variant in disease. Therefore, it has been classified as a Variant of Uncertain Significance. Experimental studies and prediction algorithms are not available or were not evaluated, and the functional significance of this variant is currently unknown. This variant has not been reported in the literature in individuals with SLC2A10-related conditions. This variant is not present in population databases (ExAC no frequency). This sequence change results in a frameshift in the SLC2A10 gene (p.Gln525Argfs*72). While this is not anticipated to result in nonsense mediated decay, it is expected to disrupt the last 17 amino acids of the SLC2A10 protein and extend the protein by an additional 54 amino acids.